The following is an entry in ClinVar:

NM_003194.5(TBP):c.225GCA[17] (p.Gln94_Gln95del)

Genes: TBP (TATA-box binding protein; plus strand), LOC108663996 (TATA-box binding protein repeat instability region; plus strand). Cytogenetic location: 6q27.
Variant type: Microsatellite.
Coding change: c.225GCA[17] on transcript NM_003194.5 (MANE Select); 17 copies in a row of the 3-base unit GCA starting at c.225; the reference has 19 copies in a row; two copies, 6 bases deleted; also written c.276_281del.
Protein change: p.Gln94_Gln95del.
Molecular consequence: inframe deletion.
Genome position (GRCh38, 1-based): chr6:170,562,012-170,562,017, GCAGCA deleted; deleting any 6 consecutive bases within chr6:170,561,959-170,562,017 gives the same sequence; the position shown is the placement nearest the transcript's 3' end. VCF-style (leftmost placement, unchanged base first): chr6-170561958-ACAGCAG-A. GRCh37 (hg19) VCF-style: chr6-170871046-ACAGCAG-A.
Other names: p.Gln94_Gln95del; c.165GCA[17], p.Gln74_Gln75del (NM_001172085.2); c.276_281del (NM_003194.5).
Identifiers: ClinVar variation 4683239 (VCV004683239.1).

ClinVar aggregate classification (germline): Benign (1 of 4 stars; one submission).

Submission:

Mayo Clinic Laboratories, Mayo Clinic
Classification: Benign. Last evaluated: 2023-01-17. Review status: criteria provided, single submitter. Criteria: ACMG Guidelines, 2015. Collection method: clinical testing. Allele origin: germline. Observed: 32 variant alleles.
Comment: BS1, BS2